The following is an entry in ClinVar:

NM_030777.4(SLC2A10):c.926T>C (p.Leu309Pro)

Gene: SLC2A10 (solute carrier family 2 member 10; plus strand). Cytogenetic location: 20q13.12.
Variant type: single nucleotide variant.
Coding change: c.926T>C on transcript NM_030777.4 (MANE Select); coding-DNA position 926, T replaced by C.
Protein change: p.Leu309Pro; replaces leucine 309 with proline.
Molecular consequence: missense variant.
Genome position (GRCh38, 1-based): chr20:46,725,962, T>C. VCF-style: chr20-46725962-T-C. GRCh37 (hg19) VCF-style: chr20-45354601-T-C.
Other names: short protein forms L309P.
Identifiers: ClinVar variation 4635555 (VCV004635555.1).

ClinVar aggregate classification (germline): Uncertain significance (1 of 4 stars; one submission).

Conditions:
Familial thoracic aortic aneurysm and aortic dissection (TAAD). Also called: Thoracic aortic aneurysms and dissections. Identifiers: Orphanet 91387, MedGen C4707243, MONDO:0019625.

Submission:

Ambry Genetics
Classification: Uncertain significance for Familial thoracic aortic aneurysm and aortic dissection. Last evaluated: 2025-12-11. Review status: criteria provided, single submitter. Criteria: Ambry Variant Classification Scheme 2023. Collection method: clinical testing. Allele origin: germline.
Comment: The p.L309P variant (also known as c.926T>C), located in coding exon 2 of the SLC2A10 gene, results from a T to C substitution at nucleotide position 926. The leucine at codon 309 is replaced by proline, an amino acid with similar properties. This amino acid position is conserved. In addition, this alteration is predicted to be deleterious by in silico analysis. Based on the available evidence, the clinical significance of this variant remains unclear.